The following is an entry in ClinVar:

NM_001267550.2(TTN):c.103961C>T (p.Ser34654Phe)

Genes: TTN-AS1 (TTN antisense RNA 1; plus strand), TTN (titin; minus strand). Cytogenetic location: 2q31.2.
Variant type: single nucleotide variant.
Coding change: c.103961C>T on transcript NM_001267550.2 (MANE Select); coding-DNA position 103961, C replaced by T.
Protein change: p.Ser34654Phe; replaces serine 34654 with phenylalanine.
Molecular consequence: missense variant.
Genome position (GRCh38, 1-based): chr2:178,532,654, G>A on the plus strand (C>T on the coding strand, the complement: TTN is on the minus strand). VCF-style: chr2-178532654-G-A. GRCh37 (hg19) VCF-style: chr2-179397381-G-A.
Other names: c.99038C>T, p.Ser33013Phe (NM_001256850.1); c.76766C>T, p.Ser25589Phe (NM_003319.4); c.96257C>T, p.Ser32086Phe (NM_133378.4); c.77141C>T, p.Ser25714Phe (NM_133432.3); c.77342C>T, p.Ser25781Phe (NM_133437.4); short protein forms S33013F, S34654F, S25589F, S32086F, S25781F, S25714F.
Identifiers: ClinVar variation 1039276 (VCV001039276.7), dbSNP rs1689685184, ClinGen allele CA349412855.

ClinVar aggregate classification (germline): Uncertain significance (1 of 4 stars; one submission).

Conditions:
Dilated cardiomyopathy 1G (CMD1G). Identifiers: Orphanet 154, MedGen C1858763, MONDO:0011400, OMIM 604145.
Autosomal recessive limb-girdle muscular dystrophy type 2J (LGMDR10). Also called: Limb-girdle muscular dystrophy, type 2J; MUSCULAR DYSTROPHY, LIMB-GIRDLE, AUTOSOMAL RECESSIVE 10. Identifiers: Orphanet 140922, MedGen C1837342, MONDO:0012127, OMIM 608807.

Submission:

Labcorp Genetics (formerly Invitae), Labcorp
Classification: Uncertain significance for Dilated cardiomyopathy 1G; Autosomal recessive limb-girdle muscular dystrophy type 2J. Last evaluated: 2022-12-02. Review status: criteria provided, single submitter. Criteria: Invitae Variant Classification Sherloc (09022015). Collection method: clinical testing. Allele origin: germline.
Comment: This variant has not been reported in the literature in individuals affected with TTN-related conditions. This variant is not present in population databases (gnomAD no frequency). This sequence change replaces serine, which is neutral and polar, with phenylalanine, which is neutral and non-polar, at codon 34654 of the TTN protein (p.Ser34654Phe). ClinVar contains an entry for this variant (Variation ID: 1039276). In summary, the available evidence is currently insufficient to determine the role of this variant in disease. Therefore, it has been classified as a Variant of Uncertain Significance. This variant is located in the M band of TTN (PMID: 25589632). Variants in this region may be relevant for neuromuscular disorders, but have not been definitively shown to cause cardiomyopathy (PMID: 23975875). Experimental studies and prediction algorithms are not available or were not evaluated, and the functional significance of this variant is currently unknown.

Literature cited by the submitters: PubMed 25589632; PubMed 23975875.